The following is an entry in ClinVar:

ClinVar aggregate classification (germline): Uncertain significance (1 of 4 stars; one submission).

Conditions:
Nephronophthisis. Also called: Juvenile Nephronophthisis. Identifiers: Orphanet 655, MedGen C0687120, MONDO:0019005, HP:0000090.

Allele frequency attached by ClinVar (database versions not stated): gnomAD exomes below 0.00001.
gnomAD v4.1: 6 of 1,604,566 alleles (0.00037%); highest among the groups gnomAD compares: African/African-American, 0.0053%; no homozygotes.

Submission:

Labcorp Genetics (formerly Invitae), Labcorp
Classification: Uncertain significance for Nephronophthisis. Last evaluated: 2022-06-27. Review status: criteria provided, single submitter. Criteria: Invitae Variant Classification Sherloc (09022015). Collection method: clinical testing. Allele origin: germline.
Comment: This sequence change replaces threonine, which is neutral and polar, with alanine, which is neutral and non-polar, at codon 331 of the NPHP3 protein (p.Thr331Ala). This variant is not present in population databases (gnomAD no frequency). This variant has not been reported in the literature in individuals affected with NPHP3-related conditions. Algorithms developed to predict the effect of missense changes on protein structure and function are either unavailable or do not agree on the potential impact of this missense change (SIFT: "Deleterious"; PolyPhen-2: "Benign"; Align-GVGD: "Class C0"). In summary, the available evidence is currently insufficient to determine the role of this variant in disease. Therefore, it has been classified as a Variant of Uncertain Significance.

NM_153240.5(NPHP3):c.991A>G (p.Thr331Ala)

Genes: NPHP3 (nephrocystin 3; minus strand), NPHP3-ACAD11 (NPHP3-ACAD11 readthrough (NMD candidate); minus strand). Cytogenetic location: 3q22.1.
Variant type: single nucleotide variant.
Coding change: c.991A>G on transcript NM_153240.5 (MANE Select); coding-DNA position 991, A replaced by G.
Protein change: p.Thr331Ala; replaces threonine 331 with alanine.
Molecular consequence: missense variant. On other transcripts: non-coding transcript variant (1).
Genome position (GRCh38, 1-based): chr3:132,713,253, T>C on the plus strand (A>G on the coding strand, the complement: NPHP3 is on the minus strand). VCF-style: chr3-132713253-T-C. GRCh37 (hg19) VCF-style: chr3-132432097-T-C.
Other names: short protein forms T331A.
Identifiers: ClinVar variation 1505453 (VCV001505453.5), dbSNP rs113091599, ClinGen allele CA83604756.